The following is an entry in ClinVar:

NM_015602.4(TOR1AIP1):c.341C>T (p.Pro114Leu)

Genes: TOR1AIP1 (torsin 1A interacting protein 1; plus strand), LOC112577517 (Sharpr-MPRA regulatory region 13766; plus strand). Cytogenetic location: 1q25.2.
Variant type: single nucleotide variant.
Coding change: c.341C>T on transcript NM_015602.4 (MANE Select); coding-DNA position 341, C replaced by T.
Protein change: p.Pro114Leu; replaces proline 114 with leucine.
Molecular consequence: missense variant.
Genome position (GRCh38, 1-based): chr1:179,882,843, C>T. VCF-style: chr1-179882843-C-T. GRCh37 (hg19) VCF-style: chr1-179851978-C-T.
Other names: c.341C>T, p.Pro114Leu (NM_001267578.2); short protein forms P114L.
Identifiers: ClinVar variation 1313518 (VCV001313518.2), dbSNP rs1031009039, ClinGen allele CA33712481.

ClinVar aggregate classification (germline): Uncertain significance (1 of 4 stars; one submission).

Allele frequency attached by ClinVar (database versions not stated): TOPMed below 0.00001; gnomAD exomes 0.00001.
gnomAD v4.1: 3 of 1,614,146 alleles (0.00019%); highest among the groups gnomAD compares: Admixed American, 0.0033%; no homozygotes.

Submission:

GeneDx
Classification: Uncertain significance. Last evaluated: 2020-10-30. Review status: criteria provided, single submitter. Criteria: GeneDx Variant Classification Process June 2021. Collection method: clinical testing. Allele origin: germline. Affected: yes.
Comment: Not observed at a significant frequency in large population cohorts (Lek et al., 2016); In silico analysis supports that this missense variant has a deleterious effect on protein structure/function; Has not been previously published as pathogenic or benign to our knowledge